The following is an entry in ClinVar:

ClinVar aggregate classification (germline): Uncertain significance (1 of 4 stars; one submission).

gnomAD v4.1: 3 of 1,604,772 alleles (0.00019%); highest among the groups gnomAD compares: Non-Finnish European, 0.00025%; no homozygotes.

Submission:

CeGaT Center for Human Genetics Tuebingen
Classification: Uncertain significance. Last evaluated: 2026-05-01. Review status: criteria provided, single submitter. Criteria: CeGaT Center For Human Genetics Tuebingen Variant Classification Criteria Version 2. Collection method: clinical testing. Allele origin: germline. Affected: yes. Observed: 2 variant alleles.
Comment: VPS13C: PM2, PP3

NM_020821.3(VPS13C):c.1353+3A>G

Gene: VPS13C (vacuolar protein sorting 13 homolog C; minus strand). Cytogenetic location: 15q22.2.
Variant type: single nucleotide variant.
Coding change: c.1353+3A>G on transcript NM_020821.3 (MANE Select); 3 bases into the intron after coding-DNA position 1353, A replaced by G.
Molecular consequence: intron variant.
Genome position (GRCh38, 1-based): chr15:62,000,561, T>C on the plus strand (A>G on the coding strand, the complement: VPS13C is on the minus strand). VCF-style: chr15-62000561-T-C. GRCh37 (hg19) VCF-style: chr15-62292760-T-C.
Other names: c.1224+3A>G (NM_017684.5, NM_018080.4); c.1353+3A>G (NM_001018088.3).
Identifiers: ClinVar variation 4084502 (VCV004084502.8).
Genomic context (GRCh38, chr15:62,000,561, plus strand): 5'-CCTAGGTTTAAAAGCGGGCATTAACATGTTTAAAACATAAAATCAGCTAATAAAAATGAT[T>C]ACCTCAACTTGTGCTTGTTGCCTTGCTAAAATTATGTTAAAAACATCTAGAGTCTTCTCC-3'